The following is an entry in ClinVar:

ClinVar aggregate classification (germline): Uncertain significance (1 of 4 stars; one submission).

Submission:

Labcorp Genetics (formerly Invitae), Labcorp
Classification: Uncertain significance. Last evaluated: 2021-06-15. Review status: criteria provided, single submitter. Criteria: Invitae Variant Classification Sherloc (09022015). Collection method: clinical testing. Allele origin: germline.
Comment: Algorithms developed to predict the effect of missense changes on protein structure and function output the following: SIFT: "Tolerated"; PolyPhen-2: "Benign"; Align-GVGD: "Class C0". The aspartic acid amino acid residue is found in multiple mammalian species, suggesting that this missense change does not adversely affect protein function. These predictions have not been confirmed by published functional studies and their clinical significance is uncertain. This sequence change replaces glutamic acid with aspartic acid at codon 1018 of the ADGRV1 protein (p.Glu1018Asp). The glutamic acid residue is moderately conserved and there is a small physicochemical difference between glutamic acid and aspartic acid. This variant is not present in population databases (ExAC no frequency). This variant has not been reported in the literature in individuals with ADGRV1-related conditions. In summary, the available evidence is currently insufficient to determine the role of this variant in disease. Therefore, it has been classified as a Variant of Uncertain Significance.

NM_032119.4(ADGRV1):c.3054G>C (p.Glu1018Asp)

Gene: ADGRV1 (adhesion G protein-coupled receptor V1; plus strand). Cytogenetic location: 5q14.3.
Variant type: single nucleotide variant.
Coding change: c.3054G>C on transcript NM_032119.4 (MANE Select); coding-DNA position 3054, G replaced by C.
Protein change: p.Glu1018Asp; replaces glutamic acid 1018 with aspartic acid.
Molecular consequence: missense variant. On other transcripts: non-coding transcript variant (1).
Genome position (GRCh38, 1-based): chr5:90,647,529, G>C. VCF-style: chr5-90647529-G-C. GRCh37 (hg19) VCF-style: chr5-89943346-G-C.
Other names: short protein forms E1018D.
Identifiers: ClinVar variation 1401005 (VCV001401005.8), dbSNP rs2149446364, ClinGen allele CA360393019.
Genomic context (GRCh38, chr5:90,647,529, plus strand): 5'-CATGTGTTCTTTCTTTGTGGATATTTCAGAACCTCGTGTAGTGAGGGTTCAGGAAGGTGA[G>C]ACTGCCAACTTTACAGTTCTCAGAAATGGATCTGTTGATGTGACTTGCATGGTCCAGTAT-3'
Protein context (NP_115495.3, residues 1008-1028): EPRVVRVQEG[Glu1018Asp]TANFTVLRNG